The following is an entry in ClinVar:

NM_001105206.3(LAMA4):c.2341G>A (p.Ala781Thr)

Gene: LAMA4 (laminin subunit alpha 4; minus strand). Cytogenetic location: 6q21.
Variant type: single nucleotide variant.
Coding change: c.2341G>A on transcript NM_001105206.3 (MANE Select); coding-DNA position 2341, G replaced by A.
Protein change: p.Ala781Thr; replaces alanine 781 with threonine.
Molecular consequence: missense variant.
Genome position (GRCh38, 1-based): chr6:112,148,169, C>T on the plus strand (G>A on the coding strand, the complement: LAMA4 is on the minus strand). VCF-style: chr6-112148169-C-T. GRCh37 (hg19) VCF-style: chr6-112469371-C-T.
Other names: c.2320G>A, p.Ala774Thr (NM_001105207.3, NM_002290.5); short protein forms A774T, A781T.
Identifiers: ClinVar variation 4096208 (VCV004096208.1).

ClinVar aggregate classification (germline): Uncertain significance (1 of 4 stars; one submission).

Conditions:
Cardiovascular phenotype. Identifiers: MedGen CN230736.

gnomAD v4.1: 2 of 1,614,058 alleles (0.00012%); highest among the groups gnomAD compares: South Asian, 0.0011%; no homozygotes.

Submission:

Ambry Genetics
Classification: Uncertain significance for Cardiovascular phenotype. Last evaluated: 2025-07-08. Review status: criteria provided, single submitter. Criteria: Ambry Variant Classification Scheme 2023. Collection method: clinical testing. Allele origin: germline.
Comment: The p.A774T variant (also known as c.2320G>A), located in coding exon 17 of the LAMA4 gene, results from a G to A substitution at nucleotide position 2320. The alanine at codon 774 is replaced by threonine, an amino acid with similar properties. This amino acid position is conserved. In addition, the in silico prediction for this alteration is inconclusive. Based on the available evidence, the clinical significance of this variant remains unclear.